The following is an entry in ClinVar:

NM_005188.4(CBL):c.2465G>C (p.Arg822Thr)

Gene: CBL (Cbl proto-oncogene; plus strand). Cytogenetic location: 11q23.3.
Variant type: single nucleotide variant.
Coding change: c.2465G>C on transcript NM_005188.4 (MANE Select); coding-DNA position 2465, G replaced by C.
Protein change: p.Arg822Thr; replaces arginine 822 with threonine.
Molecular consequence: missense variant.
Genome position (GRCh38, 1-based): chr11:119,299,525, G>C. VCF-style: chr11-119299525-G-C. GRCh37 (hg19) VCF-style: chr11-119170235-G-C.
Other names: short protein forms R822T.
Identifiers: ClinVar variation 3364442 (VCV003364442.2).
Genomic context (GRCh38, chr11:119,299,525, plus strand): 5'-TGCAAATATTTTCTTTCCTATTTCTTCTAGATGTCACTGAAGGTTCCCAAGTTCCCGAGA[G>C]GCCTCCAAAACCATTCCCGCGGAGAATCAACTCTGAACGGAAAGCTGGCAGCTGTCAGCA-3'
Protein context (NP_005179.2, residues 812-832): NVTEGSQVPE[Arg822Thr]PPKPFPRRIN

ClinVar aggregate classification (germline): Uncertain significance. Review status: criteria provided, multiple submitters, no conflicts (2 of 4 stars). 2 submissions from 2 submitters: Uncertain significance (2). Last evaluated 2025-02-03.

Conditions:
Cardiovascular phenotype. Identifiers: MedGen CN230736.

Submissions (2):

Ambry Genetics
Classification: Uncertain significance for Cardiovascular phenotype. Last evaluated: 2025-02-03. Review status: criteria provided, single submitter. Criteria: Ambry Variant Classification Scheme 2023. Collection method: clinical testing. Allele origin: germline.
Comment: The p.R822T variant (also known as c.2465G>C), located in coding exon 16 of the CBL gene, results from a G to C substitution at nucleotide position 2465. The arginine at codon 822 is replaced by threonine, an amino acid with similar properties. This amino acid position is conserved. In addition, this alteration is predicted to be deleterious by in silico analysis. Based on the available evidence, the clinical significance of this variant remains unclear.

GeneDx
Classification: Uncertain significance. Last evaluated: 2023-11-17. Review status: criteria provided, single submitter. Criteria: GeneDx Variant Classification Process June 2021. Collection method: clinical testing. Allele origin: germline. Affected: yes.
Comment: Has not been previously published as pathogenic or benign to our knowledge; Not observed at significant frequency in large population cohorts (gnomAD); In silico analysis supports that this missense variant does not alter protein structure/function; This variant is associated with the following publications: (PMID: 11067845)